The following is an entry in ClinVar:

NM_001377304.1(GFI1B):c.624G>A (p.Glu208=)

Gene: GFI1B (growth factor independent 1B transcriptional repressor; plus strand). Cytogenetic location: 9q34.13.
Variant type: single nucleotide variant.
Coding change: c.624G>A on transcript NM_001377304.1 (MANE Select); coding-DNA position 624, G replaced by A.
Protein change: p.Glu208=; no amino-acid change (glutamic acid 208 retained).
Molecular consequence: synonymous variant. On other transcripts: intron variant (2).
Genome position (GRCh38, 1-based): chr9:132,989,174, G>A. VCF-style: chr9-132989174-G-A. GRCh37 (hg19) VCF-style: chr9-135864561-G-A.
Other names: p.Glu208=; c.624G>A, p.Glu208= (NM_001371908.1, NM_004188.8); c.511-568G>A (NM_001135031.2, NM_001377305.1); c.624G>A (NM_004188.7).
Identifiers: ClinVar variation 710734 (VCV000710734.41), dbSNP rs140900853, ClinGen allele CA5302016.

ClinVar aggregate classification (germline): Benign/Likely benign. Review status: criteria provided, multiple submitters, no conflicts (2 of 4 stars). 5 submissions from 5 submitters: Benign (1); Likely benign (4). Last evaluated 2024-12-10.

Allele frequency attached by ClinVar (database versions not stated): 1000 Genomes Project 30x 0.00016; 1000 Genomes Project 0.00020; gnomAD exomes 0.00098 and 0.00195; ExAC 0.00112; gnomAD 0.00117 and 0.00159; ESP Exome Variant Server 0.00161; TOPMed 0.00163.
gnomAD v4.1: 3,028 of 1,613,744 alleles (0.19%); highest among the groups gnomAD compares: Non-Finnish European, 0.24%; 10 homozygotes.

Submissions (5):

Mayo Clinic Laboratories, Mayo Clinic
Classification: Likely benign. Last evaluated: 2024-12-10. Review status: criteria provided, single submitter. Criteria: ACMG Guidelines, 2015. Collection method: clinical testing. Allele origin: germline. Observed: 4 variant alleles.
Comment: BP4, BP7

Blueprint Genetics
Classification: Likely benign. Last evaluated: 2024-10-09. Review status: criteria provided, single submitter. Criteria: ACMG Guidelines, 2015. Collection method: clinical testing. Allele origin: germline.

CeGaT Center for Human Genetics Tuebingen
Classification: Likely benign. Last evaluated: 2023-03-01. Review status: criteria provided, single submitter. Criteria: CeGaT Center For Human Genetics Tuebingen Variant Classification Criteria Version 2. Collection method: clinical testing. Allele origin: germline. Affected: yes. Observed: 3 variant alleles.
Comment: GFI1B: BP4, BP7

Labcorp Genetics (formerly Invitae), Labcorp
Classification: Benign. Last evaluated: 2019-12-31. Review status: criteria provided, single submitter. Criteria: Invitae Variant Classification Sherloc (09022015). Collection method: clinical testing. Allele origin: germline.

Genetic Services Laboratory, University of Chicago
Classification: Likely benign. Last evaluated: 2018-06-27. Review status: criteria provided, single submitter. Criteria: ACMG Guidelines, 2015. Collection method: clinical testing. Allele origin: germline. Affected: no.